The following is an entry in ClinVar:

ClinVar aggregate classification (germline): Uncertain significance (1 of 4 stars; one submission).

Conditions:
Charcot-Marie-Tooth disease type 2. Also called: Charcot-Marie-Tooth type 2. Identifiers: Orphanet 64746, MedGen C0270914, MONDO:0018993.

Allele frequency attached by ClinVar (database versions not stated): gnomAD exomes 0.00001; gnomAD 0.00001.
gnomAD v4.1: 7 of 1,614,076 alleles (0.00043%); highest among the groups gnomAD compares: East Asian, 0.0089%; no homozygotes.

Submission:

Labcorp Genetics (formerly Invitae), Labcorp
Classification: Uncertain significance for Charcot-Marie-Tooth disease type 2. Last evaluated: 2022-12-05. Review status: criteria provided, single submitter. Criteria: Invitae Variant Classification Sherloc (09022015). Collection method: clinical testing. Allele origin: germline.
Comment: In summary, the available evidence is currently insufficient to determine the role of this variant in disease. Therefore, it has been classified as a Variant of Uncertain Significance. Advanced modeling of protein sequence and biophysical properties (such as structural, functional, and spatial information, amino acid conservation, physicochemical variation, residue mobility, and thermodynamic stability) performed at Invitae indicates that this missense variant is not expected to disrupt MFN2 protein function. This variant has not been reported in the literature in individuals affected with MFN2-related conditions. This variant is present in population databases (no rsID available, gnomAD 0.01%). This sequence change replaces methionine, which is neutral and non-polar, with isoleucine, which is neutral and non-polar, at codon 586 of the MFN2 protein (p.Met586Ile).

NM_014874.4(MFN2):c.1758G>A (p.Met586Ile)

Gene: MFN2 (mitofusin 2; plus strand). Cytogenetic location: 1p36.22.
Variant type: single nucleotide variant.
Coding change: c.1758G>A on transcript NM_014874.4 (MANE Select); coding-DNA position 1758, G replaced by A.
Protein change: p.Met586Ile; replaces methionine 586 with isoleucine.
Molecular consequence: missense variant.
Genome position (GRCh38, 1-based): chr1:12,006,579, G>A. VCF-style: chr1-12006579-G-A. GRCh37 (hg19) VCF-style: chr1-12066636-G-A.
Other names: c.1758G>A, p.Met586Ile (NM_001127660.2); short protein forms M586I.
Identifiers: ClinVar variation 2802822 (VCV002802822.3), dbSNP rs1341015445, ClinGen allele CA338448516.